The following is an entry in ClinVar:

ClinVar aggregate classification (germline): Pathogenic (1 of 4 stars; one submission).

Submission:

Labcorp Genetics (formerly Invitae), Labcorp
Classification: Pathogenic. Last evaluated: 2024-10-16. Review status: criteria provided, single submitter. Criteria: Invitae Variant Classification Sherloc (09022015). Collection method: clinical testing. Allele origin: germline.
Comment: This sequence change creates a premature translational stop signal (p.Phe30Leufs*66) in the TNFAIP3 gene. It is expected to result in an absent or disrupted protein product. Loss-of-function variants in TNFAIP3 are known to be pathogenic (PMID: 26642243). This variant is not present in population databases (gnomAD no frequency). This variant has not been reported in the literature in individuals affected with TNFAIP3-related conditions. ClinVar contains an entry for this variant (Variation ID: 1453081). For these reasons, this variant has been classified as Pathogenic.

Literature cited by the submitters: PubMed 26642243.

NM_001270508.2(TNFAIP3):c.90del (p.Phe30fs)

Gene: TNFAIP3 (TNF alpha induced protein 3; plus strand). Cytogenetic location: 6q23.3.
Variant type: Deletion.
Coding change: c.90del on transcript NM_001270508.2 (MANE Select); coding-DNA position 90, one base deleted (T; older notation c.90delT).
Protein change: p.Phe30fs; shifts the reading frame from phenylalanine 30.
Molecular consequence: frameshift variant.
Genome position (GRCh38, 1-based): chr6:137,871,317, T deleted; the last of 5 consecutive T bases (chr6:137,871,313-137,871,317); deleting any one gives the same sequence. VCF-style (leftmost placement, unchanged base first): chr6-137871312-AT-A. GRCh37 (hg19) VCF-style: chr6-138192449-AT-A.
Other names: c.90del, p.Phe30fs (NM_001270507.2, NM_006290.4); short protein forms F30fs.
Identifiers: ClinVar variation 1453081 (VCV001453081.6), dbSNP rs2114458654, ClinGen allele CA2573140549.